The following is an entry in ClinVar:

ClinVar aggregate classification (germline): Uncertain significance (1 of 4 stars; one submission).

Conditions:
Neuropathy, hereditary sensory, type 2C. Also called: KIF1A-Related HSAN2 (HSAN2C); Hereditary sensory and autonomic neuropathy type IIC. Identifiers: Orphanet 970, MedGen C3280168, MONDO:0013634, OMIM 614213.
Hereditary spastic paraplegia 30. Identifiers: Orphanet 101010, MedGen C5235139, MONDO:0012476.
Intellectual disability, autosomal dominant 9 (NESCAVS). Also called: KIF1A-Related Neurodevelopmental Disorder; NESCAV SYNDROME. Identifiers: Orphanet 662367, MedGen C5393830, MONDO:0013656, OMIM 614255.

gnomAD v4.1: 7 of 1,611,340 alleles (0.00043%); highest among the groups gnomAD compares: East Asian, 0.0022%; no homozygotes.

Submission:

Labcorp Genetics (formerly Invitae), Labcorp
Classification: Uncertain significance for Hereditary spastic paraplegia 30; Neuropathy, hereditary sensory, type 2C; Intellectual disability, autosomal dominant 9. Last evaluated: 2025-06-17. Review status: criteria provided, single submitter. Criteria: Invitae Variant Classification Sherloc (09022015). Collection method: clinical testing. Allele origin: germline.
Comment: This sequence change replaces arginine, which is basic and polar, with tryptophan, which is neutral and slightly polar, at codon 848 of the KIF1A protein (p.Arg848Trp). The frequency data for this variant in the population databases is considered unreliable, as metrics indicate poor data quality at this position in the gnomAD database. This variant has not been reported in the literature in individuals affected with KIF1A-related conditions. Invitae Evidence Modeling of protein sequence and biophysical properties (such as structural, functional, and spatial information, amino acid conservation, physicochemical variation, residue mobility, and thermodynamic stability) has been performed for this missense variant. However, the output from this modeling did not meet the statistical confidence thresholds required to predict the impact of this variant on KIF1A protein function. In summary, the available evidence is currently insufficient to determine the role of this variant in disease. Therefore, it has been classified as a Variant of Uncertain Significance.

NM_001244008.2(KIF1A):c.2569C>T (p.Arg857Trp)

Gene: KIF1A (kinesin family member 1A; minus strand). Cytogenetic location: 2q37.3.
Variant type: single nucleotide variant.
Coding change: c.2569C>T on transcript NM_001244008.2 (MANE Select); coding-DNA position 2569, C replaced by T.
Protein change: p.Arg857Trp; replaces arginine 857 with tryptophan.
Molecular consequence: missense variant.
Genome position (GRCh38, 1-based): chr2:240,758,373, G>A on the plus strand (C>T on the coding strand, the complement: KIF1A is on the minus strand). VCF-style: chr2-240758373-G-A. GRCh37 (hg19) VCF-style: chr2-241697790-G-A.
Other names: c.2569C>T, p.Arg857Trp (NM_001320705.2, NM_001330289.2, NM_001379638.1); c.2644C>T, p.Arg882Trp (NM_001330290.2, NM_001379631.1, NM_001379634.1 and 2 more transcripts); c.2542C>T, p.Arg848Trp (NM_001379632.1, NM_001379633.1, NM_001379636.1 and 10 more transcripts); c.2617C>T, p.Arg873Trp (NM_001379637.1, NM_001379648.1); short protein forms R857W, R873W, R848W, R882W.
Identifiers: ClinVar variation 4793799 (VCV004793799.1).
Genomic context (GRCh38, chr2:240,758,373, plus strand): 5'-CTCTCTCTCAATCTCTCTCTCTGCCAAGGAAGGGAGGAGGCGCCCACCTGCCCACCAGCC[G>A]GAACCAGGGGAAGCGGTCATAGAAGGGGTCTCCGCCGGTCACCACGTTGTCACAGTCCTC-3'
Protein context (NP_001230937.1, residues 847-867): DPFYDRFPWF[Arg857Trp]LVGSSAISGC